The following is an entry in ClinVar:

NM_024786.3(ZDHHC11):c.784+253C>T

Gene: ZDHHC11 (zDHHC palmitoyltransferase 11; minus strand). Cytogenetic location: 5p15.33.
Variant type: single nucleotide variant.
Coding change: c.784+253C>T on transcript NM_024786.3 (MANE Select); 253 bases into the intron after coding-DNA position 784, C replaced by T.
Molecular consequence: intron variant.
Genome position (GRCh38, 1-based): chr5:840,242, G>A on the plus strand (C>T on the coding strand, the complement: ZDHHC11 is on the minus strand). VCF-style: chr5-840242-G-A. GRCh37 (hg19) VCF-style: chr5-840357-G-A.
Other names: c.949+253C>T (NM_001393492.1).
Identifiers: ClinVar variation 2655257 (VCV002655257.24), dbSNP rs3822810, ClinGen allele CA3178485.

ClinVar aggregate classification (germline): Likely benign (1 of 4 stars; one submission).

Allele frequency attached by ClinVar (database versions not stated): 1000 Genomes Project 30x 0.00094; gnomAD 0.00182; gnomAD exomes 0.00287; ExAC 0.00464.
gnomAD v4.1: 1,915 of 713,756 alleles (0.27%); highest among the groups gnomAD compares: Non-Finnish European, 0.26%; 42 homozygotes.

Submission:

CeGaT Center for Human Genetics Tuebingen
Classification: Likely benign. Last evaluated: 2023-03-01. Review status: criteria provided, single submitter. Criteria: CeGaT Center For Human Genetics Tuebingen Variant Classification Criteria Version 2. Collection method: clinical testing. Allele origin: germline. Affected: yes. Observed: 2 variant alleles.
Comment: ZDHHC11: BP4, BS2